The following is an entry in ClinVar:

ClinVar aggregate classification (germline): Conflicting classifications of pathogenicity. Review status: criteria provided, conflicting classifications (1 of 4 stars). 2 submissions from 2 submitters: Likely pathogenic (1); Uncertain significance (1). Last evaluated 2024-02-24.

Conditions:
Epilepsy, early-onset, vitamin B6-dependent. Also called: PLPBP Deficiency; EPILEPSY, EARLY-ONSET, 1, VITAMIN B6-DEPENDENT. Identifiers: MedGen C4310632, MONDO:0015005, OMIM 617290.

Allele frequency attached by ClinVar (database versions not stated): TOPMed 0.00001; ExAC 0.00002; gnomAD 0.00002; gnomAD exomes 0.00002.
gnomAD v4.1: 37 of 1,612,206 alleles (0.0023%); highest among the groups gnomAD compares: East Asian, 0.0067%; no homozygotes.

Submissions (2):

Labcorp Genetics (formerly Invitae), Labcorp
Classification: Uncertain significance. Last evaluated: 2024-02-24. Review status: criteria provided, single submitter. Criteria: Invitae Variant Classification Sherloc (09022015). Collection method: clinical testing. Allele origin: germline.
Comment: This sequence change replaces alanine, which is neutral and non-polar, with valine, which is neutral and non-polar, at codon 232 of the PROSC protein (p.Ala232Val). This variant is present in population databases (rs777815255, gnomAD 0.02%). This variant has not been reported in the literature in individuals affected with PROSC-related conditions. ClinVar contains an entry for this variant (Variation ID: 1956005). An algorithm developed to predict the effect of missense changes on protein structure and function (PolyPhen-2) suggests that this variant is likely to be disruptive. In summary, the available evidence is currently insufficient to determine the role of this variant in disease. Therefore, it has been classified as a Variant of Uncertain Significance.

Institute of Medical Genetics and Applied Genomics, University Hospital Tübingen
Classification: Likely pathogenic for Epilepsy, early-onset, vitamin B6-dependent. Last evaluated: 2023-03-22. Review status: criteria provided, single submitter. Criteria: ACMG Guidelines, 2015. Collection method: clinical testing. Allele origin: germline. Inheritance: Autosomal recessive inheritance. Affected: yes.

NM_007198.4(PLPBP):c.695C>T (p.Ala232Val)

Gene: PLPBP (pyridoxal phosphate binding protein; plus strand). Cytogenetic location: 8p11.23.
Variant type: single nucleotide variant.
Coding change: c.695C>T on transcript NM_007198.4 (MANE Select); coding-DNA position 695, C replaced by T.
Protein change: p.Ala232Val; replaces alanine 232 with valine.
Molecular consequence: missense variant.
Genome position (GRCh38, 1-based): chr8:37,776,015, C>T. VCF-style: chr8-37776015-C-T. GRCh37 (hg19) VCF-style: chr8-37633533-C-T.
Other names: c.725C>T, p.Ala242Val (NM_001349346.2); c.689C>T, p.Ala230Val (NM_001349347.2); c.539C>T, p.Ala180Val (NM_001349348.2); short protein forms A180V, A230V, A232V, A242V.
Identifiers: ClinVar variation 1956005 (VCV001956005.5), dbSNP rs777815255, ClinGen allele CA4711315.